The following is an entry in ClinVar:

NM_000026.4(ADSL):c.1240G>T (p.Val414Phe)

Gene: ADSL (adenylosuccinate lyase; plus strand). Cytogenetic location: 22q13.1.
Variant type: single nucleotide variant.
Coding change: c.1240G>T on transcript NM_000026.4 (MANE Select); coding-DNA position 1240, G replaced by T.
Protein change: p.Val414Phe; replaces valine 414 with phenylalanine.
Molecular consequence: missense variant. On other transcripts: non-coding transcript variant (1), intron variant (1).
Genome position (GRCh38, 1-based): chr22:40,364,928, G>T. VCF-style: chr22-40364928-G-T. GRCh37 (hg19) VCF-style: chr22-40760932-G-T.
Other names: c.1240G>T, p.Val414Phe (NM_001363840.3); c.1191+563G>T (NM_001123378.3); c.1048G>T, p.Val350Phe (NM_001317923.2); short protein forms V414F, V350F.
Identifiers: ClinVar variation 1418211 (VCV001418211.6), dbSNP rs2146673676, ClinGen allele CA411647818.

ClinVar aggregate classification (germline): Uncertain significance (1 of 4 stars; one submission).

Conditions:
Adenylosuccinate lyase deficiency (ADSLD). Also called: ADSL DEFICIENCY. Identifiers: Orphanet 46, MedGen C0268126, MONDO:0007068, OMIM 103050.

Submission:

Labcorp Genetics (formerly Invitae), Labcorp
Classification: Uncertain significance for Adenylosuccinate lyase deficiency. Last evaluated: 2022-08-23. Review status: criteria provided, single submitter. Criteria: Invitae Variant Classification Sherloc (09022015). Collection method: clinical testing. Allele origin: germline.
Comment: This sequence change replaces valine, which is neutral and non-polar, with phenylalanine, which is neutral and non-polar, at codon 414 of the ADSL protein (p.Val414Phe). This variant is not present in population databases (gnomAD no frequency). This variant has not been reported in the literature in individuals affected with ADSL-related conditions. ClinVar contains an entry for this variant (Variation ID: 1418211). Algorithms developed to predict the effect of missense changes on protein structure and function are either unavailable or do not agree on the potential impact of this missense change (SIFT: "Deleterious"; PolyPhen-2: "Probably Damaging"; Align-GVGD: "Class C0"). In summary, the available evidence is currently insufficient to determine the role of this variant in disease. Therefore, it has been classified as a Variant of Uncertain Significance.